The following is an entry in ClinVar:

ClinVar aggregate classification (germline): Uncertain significance (1 of 4 stars; one submission).

Allele frequency attached by ClinVar (database versions not stated): ESP Exome Variant Server 0.00008.
gnomAD v4.1: 9 of 1,613,136 alleles (0.00056%); highest among the groups gnomAD compares: Non-Finnish European, 0.00076%; no homozygotes.

Submission:

Labcorp Genetics (formerly Invitae), Labcorp
Classification: Uncertain significance. Last evaluated: 2022-08-21. Review status: criteria provided, single submitter. Criteria: Invitae Variant Classification Sherloc (09022015). Collection method: clinical testing. Allele origin: germline.
Comment: In summary, the available evidence is currently insufficient to determine the role of this variant in disease. Therefore, it has been classified as a Variant of Uncertain Significance. Algorithms developed to predict the effect of missense changes on protein structure and function (SIFT, PolyPhen-2, Align-GVGD) all suggest that this variant is likely to be tolerated. This variant has not been reported in the literature in individuals affected with PLEKHM2-related conditions. This variant is present in population databases (rs369864820, gnomAD 0.002%). This sequence change replaces leucine, which is neutral and non-polar, with valine, which is neutral and non-polar, at codon 629 of the PLEKHM2 protein (p.Leu629Val).

NM_015164.4(PLEKHM2):c.1885C>G (p.Leu629Val)

Gene: PLEKHM2 (pleckstrin homology and RUN domain containing M2; plus strand). Cytogenetic location: 1p36.21.
Variant type: single nucleotide variant.
Coding change: c.1885C>G on transcript NM_015164.4 (MANE Select); coding-DNA position 1885, C replaced by G.
Protein change: p.Leu629Val; replaces leucine 629 with valine.
Molecular consequence: missense variant.
Genome position (GRCh38, 1-based): chr1:15,728,321, C>G. VCF-style: chr1-15728321-C-G. GRCh37 (hg19) VCF-style: chr1-16054816-C-G.
Other names: c.1825C>G, p.Leu609Val (NM_001410755.1); short protein forms L609V, L629V.
Identifiers: ClinVar variation 2053072 (VCV002053072.4), dbSNP rs369864820, ClinGen allele CA617056.
Genomic context (GRCh38, chr1:15,728,321, plus strand): 5'-CCCCAGATGATCCGGATGAGCACCGGGCACATGGAGGGCAACCTGCAGCTGCTGTACGTG[C>G]TGCTCACAGACTGCTATGTCTACCTGCTCCGGAAAGGTGCCCGCCGCCCCCGGGCAGACA-3'
Protein context (NP_055979.2, residues 619-639): MEGNLQLLYV[Leu629Val]LTDCYVYLLR